The following is an entry in ClinVar:

ClinVar aggregate classification (germline): Uncertain significance (1 of 4 stars; one submission).

Conditions:
Brugada syndrome 4 (BRGDA4). Identifiers: Orphanet 130, MedGen C2678477, MONDO:0012743, OMIM 611876.

Submission:

Labcorp Genetics (formerly Invitae), Labcorp
Classification: Uncertain significance for Brugada syndrome 4. Last evaluated: 2017-10-03. Review status: criteria provided, single submitter. Criteria: Invitae Variant Classification Sherloc (09022015). Collection method: clinical testing. Allele origin: germline.
Comment: This sequence change replaces asparagine with threonine at codon 183 of the CACNB2 protein (p.Asn183Thr). The asparagine residue is moderately conserved and there is a small physicochemical difference between asparagine and threonine. This variant is not present in population databases (ExAC no frequency). This variant has not been reported in the literature in individuals with CACNB2-related disease. Algorithms developed to predict the effect of missense changes on protein structure and function do not agree on the potential impact of this missense change (SIFT: "Deleterious"; PolyPhen-2: "Benign"; Align-GVGD: "Class C0"). In summary, the available evidence is currently insufficient to determine the role of this variant in disease. Therefore, it has been classified as a Variant of Uncertain Significance.

NM_201596.3(CACNB2):c.710A>C (p.Asn237Thr)

Gene: CACNB2 (calcium voltage-gated channel auxiliary subunit beta 2; plus strand). Cytogenetic location: 10p12.31.
Variant type: single nucleotide variant.
Coding change: c.710A>C on transcript NM_201596.3 (MANE Select); coding-DNA position 710, A replaced by C.
Protein change: p.Asn237Thr; replaces asparagine 237 with threonine.
Molecular consequence: missense variant. On other transcripts: intron variant (5).
Genome position (GRCh38, 1-based): chr10:18,514,275, A>C. VCF-style: chr10-18514275-A-C. GRCh37 (hg19) VCF-style: chr10-18803204-A-C.
Other names: c.545A>C, p.Asn182Thr (NM_000724.4); c.566A>C, p.Asn189Thr (NM_201570.3); c.626A>C, p.Asn209Thr (NM_201571.4); c.548A>C, p.Asn183Thr (NM_201590.3); c.587-236A>C (NM_001167945.2); c.587-705A>C (NM_201572.4); c.671-236A>C (NM_201593.3); c.671-705A>C (NM_201597.3); and 1 more; short protein forms N183T, N237T, N189T, N209T, N182T.
Identifiers: ClinVar variation 537369 (VCV000537369.8), dbSNP rs1554835149, ClinGen allele CA376060584.